The following is an entry in ClinVar:

NM_000543.5(SMPD1):c.817G>A (p.Asp273Asn)

Gene: SMPD1 (sphingomyelin phosphodiesterase 1; plus strand). Cytogenetic location: 11p15.4.
Variant type: single nucleotide variant.
Coding change: c.817G>A on transcript NM_000543.5 (MANE Select); coding-DNA position 817, G replaced by A.
Protein change: p.Asp273Asn; replaces aspartic acid 273 with asparagine.
Molecular consequence: missense variant. On other transcripts: 5 prime UTR variant (1), non-coding transcript variant (1).
Genome position (GRCh38, 1-based): chr11:6,391,882, G>A. VCF-style: chr11-6391882-G-A. GRCh37 (hg19) VCF-style: chr11-6413112-G-A.
Other names: c.814G>A, p.Asp272Asn (NM_001007593.3); c.817G>A, p.Asp273Asn (NM_001318087.2, NM_001365135.2); c.-145G>A (NM_001318088.2); short protein forms D272N, D273N.
Identifiers: ClinVar variation 4982564 (VCV004982564.1).

ClinVar aggregate classification (germline): Uncertain significance (1 of 4 stars; one submission).

Conditions:
SMPD1-related disorder. Also called: SMPD1-related condition.

Submission:

PreventionGenetics, part of Exact Sciences
Classification: Uncertain significance for SMPD1-related condition. Last evaluated: 2026-06-03. Review status: criteria provided, single submitter. Criteria: ACMG Guidelines, 2015. Collection method: clinical testing. Allele origin: germline.
Comment: The SMPD1 c.817G>A variant is predicted to result in the amino acid substitution p.Asp273Asn. To our knowledge, this variant has not been reported in the literature or in a large population database (gnomAD), indicating this variant is rare. At this time, the clinical significance of this variant is uncertain due to the absence of conclusive functional and genetic evidence.